The following is an entry in ClinVar:

ClinVar aggregate classification (germline): Uncertain significance (1 of 4 stars; one submission).

Allele frequency attached by ClinVar (database versions not stated): gnomAD exomes below 0.00001; TOPMed below 0.00001.
gnomAD v4.1: 4 of 1,613,542 alleles (0.00025%); highest among the groups gnomAD compares: African/African-American, 0.0013%; no homozygotes.

Submission:

GeneDx
Classification: Uncertain significance. Last evaluated: 2019-06-17. Review status: criteria provided, single submitter. Criteria: GeneDx Variant Classification Process June 2021. Collection method: clinical testing. Allele origin: germline. Affected: yes.
Comment: Not observed in large population cohorts (Lek et al., 2016); In silico analysis, which includes protein predictors and evolutionary conservation, supports a deleterious effect; Has not been previously published as pathogenic or benign to our knowledge; Variants in candidate genes are classified as variants of uncertain significance in accordance with ACMG guidelines (Richards et al., 2015)

NM_001042475.3(CEP85L):c.2381A>G (p.Tyr794Cys)

Gene: CEP85L (centrosomal protein 85 like; minus strand). Cytogenetic location: 6q22.31.
Variant type: single nucleotide variant.
Coding change: c.2381A>G on transcript NM_001042475.3 (MANE Select); coding-DNA position 2381, A replaced by G.
Protein change: p.Tyr794Cys; replaces tyrosine 794 with cysteine.
Molecular consequence: missense variant.
Genome position (GRCh38, 1-based): chr6:118,465,442, T>C on the plus strand (A>G on the coding strand, the complement: CEP85L is on the minus strand). VCF-style: chr6-118465442-T-C. GRCh37 (hg19) VCF-style: chr6-118786605-T-C.
Other names: c.2390A>G, p.Tyr797Cys (NM_001178035.2); short protein forms Y794C, Y797C.
Identifiers: ClinVar variation 1319032 (VCV001319032.2), dbSNP rs1772441410, ClinGen allele CA365540549.
Genomic context (GRCh38, chr6:118,465,442, plus strand): 5'-ATTGCTGTGGGACTAACACTTGATCACTGAGTAATGCAGTTGTCTCCCATGTCCTGAGCA[T>C]AGCGGTCTGATATTGTAGTCCTTAATTCATCAATGTCTCTTCGTAACTGGCACACATCTG-3'
Protein context (NP_001035940.1, residues 784-804): DELRTTISDR[Tyr794Cys]AQDMGDNCIT